The following is an entry in ClinVar:

NM_003079.5(SMARCE1):c.1078G>C (p.Gly360Arg)

Gene: SMARCE1 (SWI/SNF related BAF chromatin remodeling complex subunit E1; minus strand). Cytogenetic location: 17q21.2.
Variant type: single nucleotide variant.
Coding change: c.1078G>C on transcript NM_003079.5 (MANE Select); coding-DNA position 1078, G replaced by C.
Protein change: p.Gly360Arg; replaces glycine 360 with arginine.
Molecular consequence: missense variant.
Genome position (GRCh38, 1-based): chr17:40,628,943, C>G on the plus strand (G>C on the coding strand, the complement: SMARCE1 is on the minus strand). VCF-style: chr17-40628943-C-G. GRCh37 (hg19) VCF-style: chr17-38785195-C-G.
Other names: short protein forms G360R.
Identifiers: ClinVar variation 818347 (VCV000818347.16), dbSNP rs976928947, ClinGen allele CA290547600.

ClinVar aggregate classification (germline): Conflicting classifications of pathogenicity. Review status: criteria provided, conflicting classifications (1 of 4 stars). 3 submissions from 3 submitters: Uncertain significance (2); Likely benign (1). Last evaluated 2026-01-11.

Conditions:
Familial meningioma. Also called: Meningioma, familial, susceptibility to. Identifiers: Orphanet 263662, MedGen C3551915, MONDO:0011789, OMIM 607174.
Hereditary cancer-predisposing syndrome. Also called: Tumor predisposition; Hereditary neoplastic syndrome; Neoplastic Syndromes, Hereditary; Hereditary Cancer Syndrome. Identifiers: Orphanet 140162, MedGen C0027672, MeSH D009386, MONDO:0015356.

Allele frequency attached by ClinVar (database versions not stated): gnomAD exomes below 0.00001; TOPMed below 0.00001.
gnomAD v4.1: 10 of 1,613,636 alleles (0.00062%); highest among the groups gnomAD compares: Non-Finnish European, 0.00085%; no homozygotes.

Submissions (3):

Labcorp Genetics (formerly Invitae), Labcorp
Classification: Uncertain significance for Familial meningioma. Last evaluated: 2026-01-11. Review status: criteria provided, single submitter. Criteria: Invitae Variant Classification Sherloc (09022015). Collection method: clinical testing. Allele origin: germline.
Comment: This sequence change replaces glycine, which is neutral and non-polar, with arginine, which is basic and polar, at codon 360 of the SMARCE1 protein (p.Gly360Arg). This variant is not present in population databases (gnomAD no frequency). This variant has not been reported in the literature in individuals affected with SMARCE1-related conditions. ClinVar contains an entry for this variant (Variation ID: 818347). Invitae Evidence Modeling of protein sequence and biophysical properties (such as structural, functional, and spatial information, amino acid conservation, physicochemical variation, residue mobility, and thermodynamic stability) indicates that this missense variant is not expected to disrupt SMARCE1 protein function with a negative predictive value of 80%. In summary, the available evidence is currently insufficient to determine the role of this variant in disease. Therefore, it has been classified as a Variant of Uncertain Significance.

Baylor Genetics
Classification: Uncertain significance for Familial meningioma. Last evaluated: 2024-02-28. Review status: criteria provided, single submitter. Criteria: ACMG Guidelines, 2015. Collection method: clinical testing. Allele origin: unknown.

Ambry Genetics
Classification: Likely benign for Hereditary cancer-predisposing syndrome. Last evaluated: 2022-09-22. Review status: criteria provided, single submitter. Criteria: Ambry Variant Classification Scheme 2023. Collection method: clinical testing. Allele origin: germline.